The following is an entry in ClinVar:

NM_000264.5(PTCH1):c.1559A>G (p.His520Arg)

Gene: PTCH1 (patched 1; minus strand). Cytogenetic location: 9q22.32.
Variant type: single nucleotide variant.
Coding change: c.1559A>G on transcript NM_000264.5 (MANE Select); coding-DNA position 1559, A replaced by G.
Protein change: p.His520Arg; replaces histidine 520 with arginine.
Molecular consequence: missense variant. On other transcripts: non-coding transcript variant (1).
Genome position (GRCh38, 1-based): chr9:95,476,802, T>C on the plus strand (A>G on the coding strand, the complement: PTCH1 is on the minus strand). VCF-style: chr9-95476802-T-C. GRCh37 (hg19) VCF-style: chr9-98239084-T-C.
Other names: c.1556A>G, p.His519Arg (NM_001083603.3); c.1106A>G, p.His369Arg (NM_001083604.3, NM_001083605.3, NM_001083606.3 and 1 more transcripts); c.1403A>G, p.His468Arg (NM_001354918.2); c.1361A>G, p.His454Arg (NM_001083602.3); short protein forms H468R, H520R, H369R, H454R, H519R.
Identifiers: ClinVar variation 4146818 (VCV004146818.1).
Genomic context (GRCh38, chr9:95,476,802, plus strand): 5'-TTTTGTTTTTGCATTACCTCAAAAGGGATTCTTTTATTCTGTCCTGTTTCACTGAAGGCG[T>C]GGGCCAGAAGAAAAACATCATCCACACCAACACCAAGAGCGAGAAATGGCAAAACCTACA-3'
Protein context (NP_000255.2, residues 510-530): VGVDDVFLLA[His520Arg]AFSETGQNKR

ClinVar aggregate classification (germline): Uncertain significance (1 of 4 stars; one submission).

Conditions:
Hereditary cancer-predisposing syndrome. Also called: Hereditary neoplastic syndrome; Neoplastic Syndromes, Hereditary; Tumor predisposition; Hereditary Cancer Syndrome. Identifiers: Orphanet 140162, MedGen C0027672, MeSH D009386, MONDO:0015356.

Submission:

Ambry Genetics
Classification: Uncertain significance for Hereditary cancer-predisposing syndrome. Last evaluated: 2025-08-22. Review status: criteria provided, single submitter. Criteria: Ambry Variant Classification Scheme 2023. Collection method: clinical testing. Allele origin: germline.
Comment: The p.H520R variant (also known as c.1559A>G), located in coding exon 11 of the PTCH1 gene, results from an A to G substitution at nucleotide position 1559. The histidine at codon 520 is replaced by arginine, an amino acid with highly similar properties. This amino acid position is conserved. In addition, this alteration is predicted to be deleterious by in silico analysis. Based on the available evidence, the clinical significance of this variant remains unclear.